The following is an entry in ClinVar:

NM_000388.4(CASR):c.727A>C (p.Ile243Leu)

Gene: CASR (calcium sensing receptor; plus strand). Cytogenetic location: 3q21.1.
Variant type: single nucleotide variant.
Coding change: c.727A>C on transcript NM_000388.4 (MANE Select); coding-DNA position 727, A replaced by C.
Protein change: p.Ile243Leu; replaces isoleucine 243 with leucine.
Molecular consequence: missense variant.
Genome position (GRCh38, 1-based): chr3:122,261,762, A>C. VCF-style: chr3-122261762-A-C. GRCh37 (hg19) VCF-style: chr3-121980609-A-C.
Other names: c.727A>C, p.Ile243Leu (NM_001178065.2); short protein forms I243L.
Identifiers: ClinVar variation 1758043 (VCV001758043.2), dbSNP rs1317990764, ClinGen allele CA354151221.

ClinVar aggregate classification (germline): Uncertain significance (1 of 4 stars; one submission).

Conditions:
Nephrolithiasis/nephrocalcinosis. Identifiers: MedGen CN580796.

Submission:

Ambry Genetics
Classification: Uncertain significance for Nephrolithiasis/nephrocalcinosis. Last evaluated: 2022-05-03. Review status: criteria provided, single submitter. Criteria: Ambry Variant Classification Scheme 2023. Collection method: clinical testing. Allele origin: germline.
Comment: The p.I243L variant (also known as c.727A>C), located in coding exon 3 of the CASR gene, results from an A to C substitution at nucleotide position 727. The isoleucine at codon 243 is replaced by leucine, an amino acid with highly similar properties. This amino acid position is conserved. In addition, the in silico prediction for this alteration is inconclusive. Since supporting evidence is limited at this time, the clinical significance of this alteration remains unclear.